The following is an entry in ClinVar:

NM_006767.4(LZTR1):c.2360_2376dup (p.Leu793delinsThrTer)

Gene: LZTR1 (leucine zipper like post translational regulator 1; plus strand). Cytogenetic location: 22q11.21.
Variant type: Duplication.
Coding change: c.2360_2376dup on transcript NM_006767.4 (MANE Select); coding-DNA positions 2360 to 2376, 17 bases duplicated (ACATGAAGCGGCACTGC).
Protein change: p.Leu793delinsThrTer.
Molecular consequence: nonsense.
Genome position (GRCh38, 1-based): chr22:20,996,920-20,996,936, ACATGAAGCGGCACTGC duplicated. VCF-style (leftmost placement, unchanged base first): chr22-20996919-G-GACATGAAGCGGCACTGC. GRCh37 (hg19) VCF-style: chr22-21351208-G-GACATGAAGCGGCACTGC.
Identifiers: ClinVar variation 3672422 (VCV003672422.2).

ClinVar aggregate classification (germline): Pathogenic (1 of 4 stars; one submission).

Submission:

Labcorp Genetics (formerly Invitae), Labcorp
Classification: Pathogenic. Last evaluated: 2024-01-18. Review status: criteria provided, single submitter. Criteria: Invitae Variant Classification Sherloc (09022015). Collection method: clinical testing. Allele origin: germline.
Comment: This sequence change creates a premature translational stop signal (p.Leu793Thrfs*2) in the LZTR1 gene. While this is not anticipated to result in nonsense mediated decay, it is expected to disrupt the last 48 amino acid(s) of the LZTR1 protein. This variant is not present in population databases (gnomAD no frequency). This variant has not been reported in the literature in individuals affected with LZTR1-related conditions. This variant disrupts a region of the LZTR1 protein in which other variant(s) (p.Leu806Trp) have been determined to be pathogenic (Invitae). This suggests that this is a clinically significant region of the protein, and that variants that disrupt it are likely to be disease-causing. For these reasons, this variant has been classified as Pathogenic.